The following is an entry in ClinVar:

ClinVar aggregate classification (germline): Uncertain significance. Review status: criteria provided, multiple submitters, no conflicts (2 of 4 stars). 2 submissions from 2 submitters: Uncertain significance (2). Last evaluated 2024-12-15.

Conditions:
Hereditary cancer-predisposing syndrome. Also called: Neoplastic Syndromes, Hereditary; Tumor predisposition; Hereditary neoplastic syndrome; Hereditary Cancer Syndrome. Identifiers: Orphanet 140162, MedGen C0027672, MeSH D009386, MONDO:0015356.
Retinoblastoma (RB1). Also called: RETINOBLASTOMA, SOMATIC. Identifiers: Orphanet 790, MedGen C0035335, MeSH D012175, MONDO:0008380, OMIM 180200, HP:0009919. Disease mechanism: loss of function. Inheritance: Both sporadic and heritable forms are tested..

Submissions (2):

Labcorp Genetics (formerly Invitae), Labcorp
Classification: Uncertain significance for Retinoblastoma. Last evaluated: 2024-12-15. Review status: criteria provided, single submitter. Criteria: Invitae Variant Classification Sherloc (09022015). Collection method: clinical testing. Allele origin: germline.
Comment: This sequence change replaces histidine, which is basic and polar, with tyrosine, which is neutral and polar, at codon 890 of the RB1 protein (p.His890Tyr). This variant is not present in population databases (gnomAD no frequency). This variant has not been reported in the literature in individuals affected with RB1-related conditions. Invitae Evidence Modeling of protein sequence and biophysical properties (such as structural, functional, and spatial information, amino acid conservation, physicochemical variation, residue mobility, and thermodynamic stability) has been performed for this missense variant. However, the output from this modeling did not meet the statistical confidence thresholds required to predict the impact of this variant on RB1 protein function. In summary, the available evidence is currently insufficient to determine the role of this variant in disease. Therefore, it has been classified as a Variant of Uncertain Significance.

Ambry Genetics
Classification: Uncertain significance for Hereditary cancer-predisposing syndrome. Last evaluated: 2024-06-15. Review status: criteria provided, single submitter. Criteria: Ambry Variant Classification Scheme 2023. Collection method: clinical testing. Allele origin: germline.
Comment: The p.H890Y variant (also known as c.2668C>T), located in coding exon 26 of the RB1 gene, results from a C to T substitution at nucleotide position 2668. The histidine at codon 890 is replaced by tyrosine, an amino acid with similar properties. This amino acid position is conserved. In addition, the in silico prediction for this alteration is inconclusive. Based on the available evidence, the clinical significance of this variant remains unclear.

NM_000321.3(RB1):c.2668C>T (p.His890Tyr)

Gene: RB1 (RB transcriptional corepressor 1; plus strand). Cytogenetic location: 13q14.2.
Variant type: single nucleotide variant.
Coding change: c.2668C>T on transcript NM_000321.3 (MANE Select); coding-DNA position 2668, C replaced by T.
Protein change: p.His890Tyr; replaces histidine 890 with tyrosine.
Molecular consequence: missense variant.
Genome position (GRCh38, 1-based): chr13:48,477,359, C>T. VCF-style: chr13-48477359-C-T. GRCh37 (hg19) VCF-style: chr13-49051495-C-T.
Other names: c.2668C>T, p.His890Tyr (NM_001407165.1); c.118C>T, p.His40Tyr (NM_001407168.1); short protein forms H40Y, H890Y.
Identifiers: ClinVar variation 3313074 (VCV003313074.3).
Genomic context (GRCh38, chr13:48,477,359, plus strand): 5'-TTGAGTTTTCCATTTATAAATACACATGAAATGTTTTGCATTTTTTTAATCTGCAGTAAA[C>T]ATCTCCCAGGAGAGTCCAAATTTCAGCAGAAACTGGCAGAAATGAGTAAGTACTTTTTTC-3'
Protein context (NP_000312.2, residues 880-900): EGSDEADGSK[His890Tyr]LPGESKFQQK